The following is an entry in ClinVar:

ClinVar aggregate classification (germline): Uncertain significance (1 of 4 stars; one submission).

Conditions:
SCLT1-related disorder. Also called: SCLT1-related condition.

Submission:

PreventionGenetics, part of Exact Sciences
Classification: Uncertain significance for SCLT1-related condition. Last evaluated: 2025-08-28. Review status: criteria provided, single submitter. Criteria: ACMG Guidelines, 2015. Collection method: clinical testing. Allele origin: germline.
Comment: The SCLT1 c.198C>G variant is predicted to result in the amino acid substitution p.His66Gln. To our knowledge, this variant has not been reported in the literature or in a large population database (gnomAD), indicating this variant is rare. At this time, the clinical significance of this variant is uncertain due to the absence of conclusive functional and genetic evidence.

NM_144643.4(SCLT1):c.198C>G (p.His66Gln)

Gene: SCLT1 (sodium channel and clathrin linker 1; minus strand). Cytogenetic location: 4q28.2.
Variant type: single nucleotide variant.
Coding change: c.198C>G on transcript NM_144643.4 (MANE Select); coding-DNA position 198, C replaced by G.
Protein change: p.His66Gln; replaces histidine 66 with glutamine.
Molecular consequence: missense variant.
Genome position (GRCh38, 1-based): chr4:129,043,431, G>C on the plus strand (C>G on the coding strand, the complement: SCLT1 is on the minus strand). VCF-style: chr4-129043431-G-C. GRCh37 (hg19) VCF-style: chr4-129964586-G-C.
Other names: c.198C>G, p.His66Gln (NM_001300897.2, NM_001300898.2, NM_001410807.1); short protein forms H66Q.
Identifiers: ClinVar variation 4983209 (VCV004983209.1).